The following is an entry in ClinVar:

NM_015665.6(AAAS):c.1117_1118del (p.Lys373fs)

Gene: AAAS (aladin WD repeat nucleoporin; minus strand). Cytogenetic location: 12q13.13.
Variant type: Deletion.
Coding change: c.1117_1118del on transcript NM_015665.6 (MANE Select); coding-DNA positions 1117 to 1118, 2 bases deleted (AA; older notation c.1117_1118delAA).
Protein change: p.Lys373fs; shifts the reading frame from lysine 373.
Molecular consequence: frameshift variant.
Genome position (GRCh38, 1-based): chr12:53,308,498-53,308,499, TT deleted on the plus strand (AA on the coding strand, the reverse complement: AAAS is on the minus strand); deleting any 2 consecutive bases within chr12:53,308,498-53,308,500 gives the same sequence; the c. name uses the placement nearest the transcript's 3' end. VCF-style (leftmost placement, unchanged base first): chr12-53308497-CTT-C. GRCh37 (hg19) VCF-style: chr12-53702281-CTT-C.
Other names: c.1018_1019del, p.Lys340fs (NM_001173466.2); short protein forms K373fs, K340fs.
Identifiers: ClinVar variation 2987147 (VCV002987147.3), dbSNP rs2498606232, ClinGen allele CA2575173903.

ClinVar aggregate classification (germline): Pathogenic (1 of 4 stars; one submission).

Submission:

Labcorp Genetics (formerly Invitae), Labcorp
Classification: Pathogenic. Last evaluated: 2023-06-14. Review status: criteria provided, single submitter. Criteria: Invitae Variant Classification Sherloc (09022015). Collection method: clinical testing. Allele origin: germline.
Comment: For these reasons, this variant has been classified as Pathogenic. This variant has not been reported in the literature in individuals affected with AAAS-related conditions. This variant is not present in population databases (gnomAD no frequency). This sequence change creates a premature translational stop signal (p.Lys373Valfs*10) in the AAAS gene. It is expected to result in an absent or disrupted protein product. Loss-of-function variants in AAAS are known to be pathogenic (PMID: 11159947).

Literature cited by the submitters: PubMed 11159947.